The following is an entry in ClinVar:

NM_031844.3(HNRNPU):c.643A>G (p.Lys215Glu)

Gene: HNRNPU (heterogeneous nuclear ribonucleoprotein U; minus strand). Cytogenetic location: 1q44.
Variant type: single nucleotide variant.
Coding change: c.643A>G on transcript NM_031844.3 (MANE Select); coding-DNA position 643, A replaced by G.
Protein change: p.Lys215Glu; replaces lysine 215 with glutamic acid.
Molecular consequence: missense variant. On other transcripts: intron variant (1).
Genome position (GRCh38, 1-based): chr1:244,863,665, T>C on the plus strand (A>G on the coding strand, the complement: HNRNPU is on the minus strand). VCF-style: chr1-244863665-T-C. GRCh37 (hg19) VCF-style: chr1-245026967-T-C.
Other names: c.634+9A>G (NM_004501.3); short protein forms K215E.
Identifiers: ClinVar variation 3619879 (VCV003619879.2).

ClinVar aggregate classification (germline): Uncertain significance (1 of 4 stars; one submission).

Conditions:
Developmental and epileptic encephalopathy, 54. Also called: Epileptic encephalopathy, early infantile, 54; HNRNPU-Related Neurodevelopmental Disorder. Identifiers: MedGen C4479319, MONDO:0033363, OMIM 617391.

gnomAD v4.1: 19 of 1,558,864 alleles (0.0012%); highest among the groups gnomAD compares: African/African-American, 0.0071%; no homozygotes.

Submission:

Labcorp Genetics (formerly Invitae), Labcorp
Classification: Uncertain significance for Developmental and epileptic encephalopathy, 54. Last evaluated: 2025-11-25. Review status: criteria provided, single submitter. Criteria: Invitae Variant Classification Sherloc (09022015). Collection method: clinical testing. Allele origin: germline.
Comment: This sequence change replaces lysine, which is basic and polar, with glutamic acid, which is acidic and polar, at codon 215 of the HNRNPU protein (p.Lys215Glu). This variant is present in population databases (rs568060313, gnomAD 0.01%). This variant has not been reported in the literature in individuals affected with HNRNPU-related conditions. ClinVar contains an entry for this variant (Variation ID: 3619879). Invitae Evidence Modeling of protein sequence and biophysical properties (such as structural, functional, and spatial information, amino acid conservation, physicochemical variation, residue mobility, and thermodynamic stability) indicates that this missense variant is not expected to disrupt HNRNPU protein function with a negative predictive value of 95%. In summary, the available evidence is currently insufficient to determine the role of this variant in disease. Therefore, it has been classified as a Variant of Uncertain Significance.